The following is an entry in ClinVar:

ClinVar aggregate classification (germline): Pathogenic. Review status: criteria provided, multiple submitters, no conflicts (2 of 4 stars). 2 submissions from 2 submitters: Pathogenic (2). Last evaluated 2025-03-05.

Conditions:
Hereditary cancer-predisposing syndrome. Also called: Hereditary Cancer Syndrome; Tumor predisposition; Hereditary neoplastic syndrome; Neoplastic Syndromes, Hereditary. Identifiers: Orphanet 140162, MedGen C0027672, MeSH D009386, MONDO:0015356.
Hereditary breast ovarian cancer syndrome. Also called: Breast and ovarian cancer; BRCA1- and BRCA2-Associated Hereditary Breast and Ovarian Cancer; Hereditary breast and ovarian cancer; Hereditary breast and/or ovarian cancer syndrome; Hereditary breast and ovarian cancer syndrome; Hereditary breast and ovarian cancer syndrome (HBOC). Identifiers: Orphanet 145, MedGen C0677776, MeSH D061325, MONDO:0003582. Disease mechanism: loss of function.

Submissions (2):

Ambry Genetics
Classification: Pathogenic for Hereditary cancer-predisposing syndrome. Last evaluated: 2025-03-05. Review status: criteria provided, single submitter. Criteria: Ambry Variant Classification Scheme 2023. Collection method: clinical testing. Allele origin: germline.
Comment: The c.3925delA pathogenic mutation, located in coding exon 10 of the BRCA2 gene, results from a deletion of one nucleotide at nucleotide position 3925, causing a translational frameshift with a predicted alternate stop codon (p.I1309Lfs*26). This variant is considered to be rare based on population cohorts in the Genome Aggregation Database (gnomAD). This alteration is expected to result in loss of function by premature protein truncation or nonsense-mediated mRNA decay. As such, this alteration is interpreted as a disease-causing mutation.

Labcorp Genetics (formerly Invitae), Labcorp
Classification: Pathogenic for Hereditary breast ovarian cancer syndrome. Last evaluated: 2023-08-23. Review status: criteria provided, single submitter. Criteria: Invitae Variant Classification Sherloc (09022015). Collection method: clinical testing. Allele origin: germline.
Comment: For these reasons, this variant has been classified as Pathogenic. This variant has not been reported in the literature in individuals affected with BRCA2-related conditions. This variant is not present in population databases (gnomAD no frequency). This sequence change creates a premature translational stop signal (p.Ile1309Leufs*26) in the BRCA2 gene. It is expected to result in an absent or disrupted protein product. Loss-of-function variants in BRCA2 are known to be pathogenic (PMID: 20104584).

Literature cited by the submitters: PubMed 20104584 (cited by Labcorp Genetics (formerly Invitae), Labcorp).

NM_000059.4(BRCA2):c.3925del (p.Ile1309fs)

Gene: BRCA2 (BRCA2 DNA repair associated; plus strand). Cytogenetic location: 13q13.1.
Variant type: Deletion.
Coding change: c.3925del on transcript NM_000059.4 (MANE Select); coding-DNA position 3925, one base deleted (A; older notation c.3925delA).
Protein change: p.Ile1309fs; shifts the reading frame from isoleucine 1309.
Molecular consequence: frameshift variant. On other transcripts: non-coding transcript variant (1), intron variant (2).
Genome position (GRCh38, 1-based): chr13:32,338,280, A deleted; the last of 3 consecutive A bases (chr13:32,338,278-32,338,280); deleting any one gives the same sequence. VCF-style (leftmost placement, unchanged base first): chr13-32338277-GA-G. GRCh37 (hg19) VCF-style: chr13-32912414-GA-G.
Other names: c.3925del, p.Ile1309fs (NM_001406719.1, NM_001406720.1); c.1909+4893del (NM_001406721.1); c.425-6278del (NM_001406722.1); short protein forms I1309fs.
Identifiers: ClinVar variation 2907834 (VCV002907834.4), dbSNP rs2548527207, ClinGen allele CA2739277538.
Genomic context (GRCh38, chr13:32,338,277, plus strand): 5'-AATAAATGCCAACTGATATTACAAAATAATATTGAAATGACTACTGGCACTTTTGTTGAA[GA>G]AATTACTGAAAATTACAAGAGAAATACTGAAAATGAAGATAACAAATATACTGCTGCCAG-3'